The following is an entry in ClinVar:

NM_001267550.2(TTN):c.3616G>T (p.Ala1206Ser)

Gene: TTN (titin; minus strand). Cytogenetic location: 2q31.2.
Variant type: single nucleotide variant.
Coding change: c.3616G>T on transcript NM_001267550.2 (MANE Select); coding-DNA position 3616, G replaced by T.
Protein change: p.Ala1206Ser; replaces alanine 1206 with serine.
Molecular consequence: missense variant.
Genome position (GRCh38, 1-based): chr2:178,780,113, C>A on the plus strand (G>T on the coding strand, the complement: TTN is on the minus strand). VCF-style: chr2-178780113-C-A. GRCh37 (hg19) VCF-style: chr2-179644840-C-A.
Other names: c.3616G>T, p.Ala1206Ser (NM_001256850.1, NM_133378.4, NM_133379.5); c.3478G>T, p.Ala1160Ser (NM_003319.4, NM_133432.3, NM_133437.4); short protein forms A1206S, A1160S.
Identifiers: ClinVar variation 192088 (VCV000192088.6), dbSNP rs200749662, ClinGen allele CA238299.

ClinVar aggregate classification (germline): Conflicting classifications of pathogenicity. Review status: criteria provided, conflicting classifications (1 of 4 stars). 3 submissions from 3 submitters: Uncertain significance (2); Likely benign (1). Last evaluated 2020-12-21.

Conditions:
Dilated cardiomyopathy 1G (CMD1G). Identifiers: Orphanet 154, MedGen C1858763, MONDO:0011400, OMIM 604145.
Autosomal recessive limb-girdle muscular dystrophy type 2J (LGMDR10). Also called: Limb-girdle muscular dystrophy, type 2J; MUSCULAR DYSTROPHY, LIMB-GIRDLE, AUTOSOMAL RECESSIVE 10. Identifiers: Orphanet 140922, MedGen C1837342, MONDO:0012127, OMIM 608807.

Allele frequency attached by ClinVar (database versions not stated): gnomAD 0.00001 and 0.00002; TOPMed 0.00002; ExAC 0.00006; 1000 Genomes Project 30x 0.00016; 1000 Genomes Project 0.00020.
gnomAD v4.1: 222 of 1,613,742 alleles (0.014%); highest among the groups gnomAD compares: Non-Finnish European, 0.019%; no homozygotes.

Submissions (3):

GeneDx
Classification: Likely benign. Last evaluated: 2020-12-21. Review status: criteria provided, single submitter. Criteria: GeneDx Variant Classification Process June 2021. Collection method: clinical testing. Allele origin: germline. Affected: yes.
Comment: This variant is associated with the following publications: (PMID: 31983221)

Labcorp Genetics (formerly Invitae), Labcorp
Classification: Uncertain significance for Dilated cardiomyopathy 1G; Autosomal recessive limb-girdle muscular dystrophy type 2J. Last evaluated: 2017-10-25. Review status: criteria provided, single submitter. Criteria: Invitae Variant Classification Sherloc (09022015). Collection method: clinical testing. Allele origin: germline.

Biesecker Lab/Clinical Genomics Section, National Institutes of Health
Classification: Uncertain significance. Last evaluated: 2013-06-24. Review status: criteria provided, single submitter. Criteria: Ng et al. (Circ Cardiovasc Genet. 2013). Collection method: research. Allele origin: unknown. Observed: 1 variant allele. Study: ClinSeq.
Comment: The study set was not selected for affection status in relation to any cancer. Pathogenicity categories were based on literature curation. See Pubmed ID:23861362 for details.

Medical sequencing